The following is an entry in ClinVar:

NM_017491.5(WDR1):c.119T>A (p.Val40Asp)

Gene: WDR1 (WD repeat domain 1; minus strand). Cytogenetic location: 4p16.1.
Variant type: single nucleotide variant.
Coding change: c.119T>A on transcript NM_017491.5 (MANE Select); coding-DNA position 119, T replaced by A.
Protein change: p.Val40Asp; replaces valine 40 with aspartic acid.
Molecular consequence: missense variant.
Genome position (GRCh38, 1-based): chr4:10,116,132, A>T on the plus strand (T>A on the coding strand, the complement: WDR1 is on the minus strand). VCF-style: chr4-10116132-A-T. GRCh37 (hg19) VCF-style: chr4-10117756-A-T.
Other names: c.119T>A, p.Val40Asp (NM_005112.5); short protein forms V40D.
Identifiers: ClinVar variation 2006258 (VCV002006258.4), dbSNP rs2474306959, ClinGen allele CA356365958.
Genomic context (GRCh38, chr4:10,116,132, plus strand): 5'-GGCTCCGGAGCAGAACCGCGCCCGGGGTAGGGGGTACTCACGTCGATGTTCCTTAGGATG[A>T]CGCACTTTCCATTGGTGTACAGAAAATTGTTGCCCTTAGGGTCGCCGCCGATGATCTTGG-3'
Protein context (NP_059830.1, residues 30-50): NNFLYTNGKC[Val40Asp]ILRNIDNPAL

ClinVar aggregate classification (germline): Uncertain significance (1 of 4 stars; one submission).

Submission:

Labcorp Genetics (formerly Invitae), Labcorp
Classification: Uncertain significance. Last evaluated: 2023-02-24. Review status: criteria provided, single submitter. Criteria: Invitae Variant Classification Sherloc (09022015). Collection method: clinical testing. Allele origin: germline.
Comment: This sequence change replaces valine, which is neutral and non-polar, with aspartic acid, which is acidic and polar, at codon 40 of the WDR1 protein (p.Val40Asp). This variant is not present in population databases (gnomAD no frequency). In summary, the available evidence is currently insufficient to determine the role of this variant in disease. Therefore, it has been classified as a Variant of Uncertain Significance. An algorithm developed to predict the effect of missense changes on protein structure and function (PolyPhen-2) suggests that this variant is likely to be disruptive. ClinVar contains an entry for this variant (Variation ID: 2006258). This variant has not been reported in the literature in individuals affected with WDR1-related conditions.